The following is an entry in ClinVar:

NM_000466.3(PEX1):c.973G>T (p.Glu325Ter)

Gene: PEX1 (peroxisomal biogenesis factor 1; minus strand). Cytogenetic location: 7q21.2.
Variant type: single nucleotide variant.
Coding change: c.973G>T on transcript NM_000466.3 (MANE Select); coding-DNA position 973, G replaced by T.
Protein change: p.Glu325Ter; replaces glutamic acid 325 with a stop codon.
Molecular consequence: nonsense.
Genome position (GRCh38, 1-based): chr7:92,517,542, C>A on the plus strand (G>T on the coding strand, the complement: PEX1 is on the minus strand). VCF-style: chr7-92517542-C-A. GRCh37 (hg19) VCF-style: chr7-92146856-C-A.
Other names: c.973G>T, p.Glu325Ter (NM_001282677.2); c.349G>T, p.Glu117Ter (NM_001282678.2); short protein forms E117*, E325*.
Identifiers: ClinVar variation 5013756 (VCV005013756.1).

ClinVar aggregate classification (germline): Pathogenic (1 of 4 stars; one submission).

Conditions:
Peroxisome biogenesis disorder. Identifiers: Orphanet 79189, MedGen C1832200, MONDO:0019234. Disease mechanism: loss of function.

Submission:

Myriad Genetics, Inc.
Classification: Pathogenic for Peroxisome biogenesis disorder. Last evaluated: 2024-11-15. Review status: criteria provided, single submitter. Criteria: Myriad Autosomal Dominant, Autosomal Recessive and X-Linked Classification Criteria (2023). Collection method: clinical testing. Allele origin: unknown.
Comment: NM_000466.2(PEX1):c.973G>T(E325*) is expected to be pathogenic in the context of peroxisome biogenesis disorder type 1. This variant is predicted to lead to an abnormal or absent protein product due to the creation of a premature termination codon in PEX1, a gene where loss-of-function variants are known to be pathogenic. Please note: this variant was assessed in the context of healthy population screening.